The following is an entry in ClinVar:

ClinVar aggregate classification (germline): Uncertain significance (1 of 4 stars; one submission).

Conditions:
Developmental and epileptic encephalopathy, 23 (DEE23). Also called: Epileptic encephalopathy, early infantile, 23. Identifiers: Orphanet 411986, MedGen C4014492, MONDO:0014371, OMIM 615859.

gnomAD v4.1: 1 of 1,613,984 alleles (0.000062%); no homozygotes.

Submission:

Labcorp Genetics (formerly Invitae), Labcorp
Classification: Uncertain significance for Developmental and epileptic encephalopathy, 23. Last evaluated: 2021-08-26. Review status: criteria provided, single submitter. Criteria: Invitae Variant Classification Sherloc (09022015). Collection method: clinical testing. Allele origin: germline.
Comment: This sequence change replaces serine with threonine at codon 905 of the DOCK7 protein (p.Ser905Thr). The serine residue is moderately conserved and there is a small physicochemical difference between serine and threonine. This variant is not present in population databases (ExAC no frequency). This variant has not been reported in the literature in individuals affected with DOCK7-related conditions. Algorithms developed to predict the effect of missense changes on protein structure and function are either unavailable or do not agree on the potential impact of this missense change (SIFT: "Deleterious"; PolyPhen-2: "Benign"; Align-GVGD: "Class C0"). In summary, the available evidence is currently insufficient to determine the role of this variant in disease. Therefore, it has been classified as a Variant of Uncertain Significance.

NM_001367561.1(DOCK7):c.2713T>A (p.Ser905Thr)

Gene: DOCK7 (dedicator of cytokinesis 7; minus strand). Cytogenetic location: 1p31.3.
Variant type: single nucleotide variant.
Coding change: c.2713T>A on transcript NM_001367561.1 (MANE Select); coding-DNA position 2713, T replaced by A.
Protein change: p.Ser905Thr; replaces serine 905 with threonine.
Molecular consequence: missense variant.
Genome position (GRCh38, 1-based): chr1:62,552,785, A>T on the plus strand (T>A on the coding strand, the complement: DOCK7 is on the minus strand). VCF-style: chr1-62552785-A-T. GRCh37 (hg19) VCF-style: chr1-63018456-A-T.
Other names: c.2713T>A, p.Ser905Thr (NM_001271999.2, NM_001272000.2, NM_001272001.2 and 2 more transcripts); short protein forms S905T.
Identifiers: ClinVar variation 834171 (VCV000834171.7), dbSNP rs1645951471, ClinGen allele CA340619897.